The following is an entry in ClinVar:

ClinVar aggregate classification (germline): Uncertain significance. Review status: criteria provided, single submitter (1 of 4 stars). 2 submissions from 2 submitters: Uncertain significance (1). 1 of the submissions does not count toward it. Last evaluated 2022-07-21.

Conditions:
DYNC1H1-related disorder. Also called: DYNC1H1-related condition; DYNC1H1-related disorders. Identifiers: MedGen CN381529.
Charcot-Marie-Tooth disease axonal type 2O. Also called: CHARCOT-MARIE-TOOTH NEUROPATHY, AXONAL, TYPE 2O; CHARCOT-MARIE-TOOTH DISEASE, AXONAL, AUTOSOMAL DOMINANT, TYPE 2O; Charcot-Marie-Tooth Neuropathy Type 2O; Charcot-Marie-Tooth disease, axonal, type 20. Identifiers: Orphanet 284232, MedGen C3280220, MONDO:0013644, OMIM 614228.

Allele frequency attached by ClinVar (database versions not stated): gnomAD exomes below 0.00001.
gnomAD v4.1: 1 of 1,614,194 alleles (0.000062%); highest among the groups gnomAD compares: Admixed American, 0.0017%; no homozygotes.

Submissions (2):

Labcorp Genetics (formerly Invitae), Labcorp
Classification: Uncertain significance for Charcot-Marie-Tooth disease axonal type 2O. Last evaluated: 2022-07-21. Review status: criteria provided, single submitter. Criteria: Invitae Variant Classification Sherloc (09022015). Collection method: clinical testing. Allele origin: germline.
Comment: In summary, the available evidence is currently insufficient to determine the role of this variant in disease. Therefore, it has been classified as a Variant of Uncertain Significance. Algorithms developed to predict the effect of missense changes on protein structure and function (SIFT, PolyPhen-2, Align-GVGD) all suggest that this variant is likely to be tolerated. This variant has not been reported in the literature in individuals affected with DYNC1H1-related conditions. This variant is present in population databases (no rsID available, gnomAD 0.003%). This sequence change replaces glutamine, which is neutral and polar, with proline, which is neutral and non-polar, at codon 1320 of the DYNC1H1 protein (p.Gln1320Pro).

PreventionGenetics, part of Exact Sciences
Classification: Uncertain significance for DYNC1H1-related condition. Last evaluated: 2024-02-26. Review status: no assertion criteria provided. Collection method: clinical testing. Allele origin: germline. Not counted in ClinVar's aggregate classification.
Comment: The DYNC1H1 c.3959A>C variant is predicted to result in the amino acid substitution p.Gln1320Pro. To our knowledge, this variant has not been reported in the literature. This variant is reported in 0.0029% of alleles in individuals of Latino descent in gnomAD. At this time, the clinical significance of this variant is uncertain due to the absence of conclusive functional and genetic evidence.

NM_001376.5(DYNC1H1):c.3959A>C (p.Gln1320Pro)

Gene: DYNC1H1 (dynein cytoplasmic 1 heavy chain 1; plus strand). Cytogenetic location: 14q32.31.
Variant type: single nucleotide variant.
Coding change: c.3959A>C on transcript NM_001376.5 (MANE Select); coding-DNA position 3959, A replaced by C.
Protein change: p.Gln1320Pro; replaces glutamine 1320 with proline.
Molecular consequence: missense variant.
Genome position (GRCh38, 1-based): chr14:102,000,143, A>C. VCF-style: chr14-102000143-A-C. GRCh37 (hg19) VCF-style: chr14-102466480-A-C.
Other names: short protein forms Q1320P.
Identifiers: ClinVar variation 1722267 (VCV001722267.7), dbSNP rs1456265870, ClinGen allele CA391038868.